The following is an entry in ClinVar:

ClinVar aggregate classification (germline): Likely benign. Review status: criteria provided, multiple submitters, no conflicts (2 of 4 stars). 3 submissions from 3 submitters: Likely benign (3). Last evaluated 2026-03-01.

Allele frequency attached by ClinVar (database versions not stated): gnomAD exomes 0.00025; ExAC 0.00032; TOPMed 0.00053; gnomAD 0.00055 and 0.00056; ESP Exome Variant Server 0.00069; 1000 Genomes Project 0.00160; 1000 Genomes Project 30x 0.00172.
gnomAD v4.1: 151 of 1,546,790 alleles (0.0098%); highest among the groups gnomAD compares: African/African-American, 0.15%; no homozygotes.

Submissions (3):

CeGaT Center for Human Genetics Tuebingen
Classification: Likely benign. Last evaluated: 2026-03-01. Review status: criteria provided, single submitter. Criteria: CeGaT Center For Human Genetics Tuebingen Variant Classification Criteria Version 2. Collection method: clinical testing. Allele origin: germline. Affected: yes. Observed: 2 variant alleles.
Comment: SRCAP: BS1

Labcorp Genetics (formerly Invitae), Labcorp
Classification: Likely benign. Last evaluated: 2025-12-22. Review status: criteria provided, single submitter. Criteria: Invitae Variant Classification Sherloc (09022015). Collection method: clinical testing. Allele origin: germline.

Breakthrough Genomics
Classification: Likely benign. Review status: criteria provided, single submitter. Criteria: ACMG Guidelines, 2015. Collection method: not provided. Allele origin: germline. Inheritance: Autosomal dominant inheritance. Affected: yes.

NM_006662.3(SRCAP):c.8363C>T (p.Pro2788Leu)

Gene: SRCAP (Snf2 related CREBBP activator protein; plus strand). Cytogenetic location: 16p11.2.
Variant type: single nucleotide variant.
Coding change: c.8363C>T on transcript NM_006662.3 (MANE Select); coding-DNA position 8363, C replaced by T.
Protein change: p.Pro2788Leu; replaces proline 2788 with leucine.
Molecular consequence: missense variant.
Genome position (GRCh38, 1-based): chr16:30,738,403, C>T. VCF-style: chr16-30738403-C-T. GRCh37 (hg19) VCF-style: chr16-30749724-C-T.
Other names: short protein forms P2788L.
Identifiers: ClinVar variation 724245 (VCV000724245.34), dbSNP rs141858791, ClinGen allele CA8012678.